The following is an entry in ClinVar:

NM_014795.4(ZEB2):c.2662C>G (p.Pro888Ala)

Gene: ZEB2 (zinc finger E-box binding homeobox 2; minus strand). Cytogenetic location: 2q22.3.
Variant type: single nucleotide variant.
Coding change: c.2662C>G on transcript NM_014795.4 (MANE Select); coding-DNA position 2662, C replaced by G.
Protein change: p.Pro888Ala; replaces proline 888 with alanine.
Molecular consequence: missense variant.
Genome position (GRCh38, 1-based): chr2:144,398,525, G>C on the plus strand (C>G on the coding strand, the complement: ZEB2 is on the minus strand). VCF-style: chr2-144398525-G-C. GRCh37 (hg19) VCF-style: chr2-145156092-G-C.
Other names: c.2590C>G, p.Pro864Ala (NM_001171653.2); short protein forms P864A, P888A.
Identifiers: ClinVar variation 3818888 (VCV003818888.2).

ClinVar aggregate classification (germline): Uncertain significance (1 of 4 stars; one submission).

Conditions:
Inborn genetic diseases. Identifiers: MedGen C0950123, MeSH D030342.

Submission:

Ambry Genetics
Classification: Uncertain significance for Inborn genetic diseases. Last evaluated: 2025-10-08. Review status: criteria provided, single submitter. Criteria: Ambry Variant Classification Scheme 2023. Collection method: clinical testing. Allele origin: germline.
Comment: The c.2662C>G (p.P888A) alteration is located in exon 8 (coding exon 7) of the ZEB2 gene. This alteration results from a C to G substitution at nucleotide position 2662, causing the proline (P) at amino acid position 888 to be replaced by an alanine (A). This variant was not reported in population-based cohorts in the Genome Aggregation Database (gnomAD). This amino acid position is highly conserved in available vertebrate species. The in silico prediction for this alteration is inconclusive. Based on insufficient or conflicting evidence, the clinical significance of this alteration remains unclear.